The following is an entry in ClinVar:

NM_000744.7(CHRNA4):c.755T>C (p.Ile252Thr)

Gene: CHRNA4 (cholinergic receptor nicotinic alpha 4 subunit; minus strand). Cytogenetic location: 20q13.33.
Variant type: single nucleotide variant.
Coding change: c.755T>C on transcript NM_000744.7 (MANE Select); coding-DNA position 755, T replaced by C.
Protein change: p.Ile252Thr; replaces isoleucine 252 with threonine.
Molecular consequence: missense variant. On other transcripts: non-coding transcript variant (1).
Genome position (GRCh38, 1-based): chr20:63,350,656, A>G on the plus strand (T>C on the coding strand, the complement: CHRNA4 is on the minus strand). VCF-style: chr20-63350656-A-G. GRCh37 (hg19) VCF-style: chr20-61982008-A-G.
Other names: c.227T>C, p.Ile76Thr (NM_001256573.2); short protein forms I252T, I76T.
Identifiers: ClinVar variation 1430229 (VCV001430229.8), dbSNP rs1601476010, ClinGen allele CA409636868.
Genomic context (GRCh38, chr20:63,350,656, plus strand): 5'-CCACACTCGGAGGGCAGGTAGAAGACCAGCACGGTGAGGCAGGAGATGAGCAGGCAGGGG[A>G]TGATGAGGTTGATGGTGTAGAAGAGCGGCAGCCGCCGGATGACGAAGGCATAGGTGATGT-3'
Protein context (NP_000735.1, residues 242-262): LPLFYTINLI[Ile252Thr]PCLLISCLTV

ClinVar aggregate classification (germline): Uncertain significance (1 of 4 stars; one submission).

Conditions:
Familial sleep-related hypermotor epilepsy. Also called: Autosomal Dominant Sleep-Related Hypermotor (Hyperkinetic) Epilepsy. Identifiers: Orphanet 98784, MedGen C3696898, MONDO:0000030.

Allele frequency attached by ClinVar (database versions not stated): gnomAD exomes below 0.00001.
gnomAD v4.1: 2 of 1,613,904 alleles (0.00012%); highest among the groups gnomAD compares: Non-Finnish European, 0.00017%; no homozygotes.

Submission:

Labcorp Genetics (formerly Invitae), Labcorp
Classification: Uncertain significance. Last evaluated: 2020-12-18. Review status: criteria provided, single submitter. Criteria: Invitae Variant Classification Sherloc (09022015). Collection method: clinical testing. Allele origin: germline.
Comment: Algorithms developed to predict the effect of missense changes on protein structure and function are either unavailable or do not agree on the potential impact of this missense change (SIFT: "Deleterious"; PolyPhen-2: "Benign"; Align-GVGD: "Class C65"). In summary, the available evidence is currently insufficient to determine the role of this variant in disease. Therefore, it has been classified as a Variant of Uncertain Significance. This variant has not been reported in the literature in individuals with CHRNA4-related conditions. This variant is not present in population databases (ExAC no frequency). This sequence change replaces isoleucine with threonine at codon 252 of the CHRNA4 protein (p.Ile252Thr). The isoleucine residue is highly conserved and there is a moderate physicochemical difference between isoleucine and threonine.